The following is an entry in ClinVar:

NM_152743.4(BRAT1):c.1395G>A (p.Thr465=)

Gene: BRAT1 (BRCA1 associated ATM activator 1; minus strand). Cytogenetic location: 7p22.3.
Variant type: single nucleotide variant.
Coding change: c.1395G>A on transcript NM_152743.4 (MANE Select); coding-DNA position 1395, G replaced by A.
Protein change: p.Thr465=; no amino-acid change (threonine 465 retained).
Molecular consequence: synonymous variant. On other transcripts: non-coding transcript variant (1).
Genome position (GRCh38, 1-based): chr7:2,540,979, C>T on the plus strand (G>A on the coding strand, the complement: BRAT1 is on the minus strand). VCF-style: chr7-2540979-C-T. GRCh37 (hg19) VCF-style: chr7-2580613-C-T.
Other names: c.1395G>A, p.Thr465= (NM_001350626.2); c.870G>A, p.Thr290= (NM_001350627.2).
Identifiers: ClinVar variation 969810 (VCV000969810.13), dbSNP rs201855243, ClinGen allele CA4127775.

ClinVar aggregate classification (germline): Pathogenic. Review status: criteria provided, multiple submitters, no conflicts (2 of 4 stars). 2 submissions from 2 submitters: Pathogenic (2). Last evaluated 2025-10-26.

Conditions:
Neonatal-onset encephalopathy with rigidity and seizures. Also called: Lethal neonatal spasticity-epileptic encephalopathy syndrome. Identifiers: Orphanet 435845, MedGen C3281029, MONDO:0013784, OMIM 614498.

Allele frequency attached by ClinVar (database versions not stated): gnomAD exomes 0.00002; TOPMed 0.00003; ESP Exome Variant Server 0.00008.
gnomAD v4.1: 37 of 1,547,760 alleles (0.0024%); highest among the groups gnomAD compares: Non-Finnish European, 0.0028%; no homozygotes.

Submissions (2):

Labcorp Genetics (formerly Invitae), Labcorp
Classification: Pathogenic for Neonatal-onset encephalopathy with rigidity and seizures. Last evaluated: 2025-10-26. Review status: criteria provided, single submitter. Criteria: Invitae Variant Classification Sherloc (09022015). Collection method: clinical testing. Allele origin: germline.
Comment: This sequence change affects codon 465 of the BRAT1 mRNA. It is a 'silent' change, meaning that it does not change the encoded amino acid sequence of the BRAT1 protein. This variant also falls at the last nucleotide of exon 10, which is part of the consensus splice site for this exon. This variant is present in population databases (rs201855243, gnomAD 0.005%). This variant has been observed in individual(s) with BRAT1-related conditions (PMID: 31618474, 31868227, 34747546). In at least one individual the data is consistent with being in trans (on the opposite chromosome) from a pathogenic variant. It has also been observed to segregate with disease in related individuals. ClinVar contains an entry for this variant (Variation ID: 969810). Variants that disrupt the consensus splice site are a relatively common cause of aberrant splicing (PMID: 17576681, 9536098). Algorithms developed to predict the effect of sequence changes on RNA splicing suggest that this variant may disrupt the consensus splice site. For these reasons, this variant has been classified as Pathogenic.

GeneDx
Classification: Pathogenic. Last evaluated: 2021-11-29. Review status: criteria provided, single submitter. Criteria: GeneDx Variant Classification Process June 2021. Collection method: clinical testing. Allele origin: germline. Affected: yes.
Comment: Published functional studies demonstrate p.(T465=) causes splice defects (Nuovo et al., 2021); Not observed at significant frequency in large population cohorts (Lek et al., 2016); This variant is associated with the following publications: (PMID: 30346566, 31868227, 34747546)

Literature cited by the submitters: PubMed 31618474 (cited by Labcorp Genetics (formerly Invitae), Labcorp); PubMed 31868227 (cited by Labcorp Genetics (formerly Invitae), Labcorp); PubMed 34747546 (cited by Labcorp Genetics (formerly Invitae), Labcorp); PubMed 17576681 (cited by Labcorp Genetics (formerly Invitae), Labcorp); PubMed 9536098 (cited by Labcorp Genetics (formerly Invitae), Labcorp).